The following is an entry in ClinVar:

NM_007194.4(CHEK2):c.1009-87del

Gene: CHEK2 (checkpoint kinase 2; minus strand). Cytogenetic location: 22q12.1.
Variant type: Deletion.
Coding change: c.1009-87del on transcript NM_007194.4 (MANE Select); 87 bases into the intron before coding-DNA position 1009, one base deleted (A; older notation c.1009-87delA).
Molecular consequence: intron variant.
Genome position (GRCh38, 1-based): chr22:28,697,074, T deleted on the plus strand (A on the coding strand, the reverse complement: CHEK2 is on the minus strand). VCF-style (leftmost placement, unchanged base first): chr22-28697073-CT-C. GRCh37 (hg19) VCF-style: chr22-29093061-CT-C.
Other names: c.346-87del (NM_001437942.1, NM_001257387.3); c.808-87del (NM_001349956.3); c.1009-1201del (NM_145862.3); c.1102-1201del (NM_001438295.1); c.1102-87del (NM_001438293.1); c.1138-1201del (NM_001438294.1); c.1138-87del (NM_001005735.3).
Identifiers: ClinVar variation 4279034 (VCV004279034.2).

ClinVar aggregate classification (germline): Likely pathogenic (1 of 4 stars; one submission).

Conditions:
CHEK2-related cancer predisposition (TPDS4). Also called: TUMOR PREDISPOSITION SYNDROME 4; CANCER PREDISPOSITION SYNDROME, CHEK2-RELATED; CHEK2-related cancer susceptibility. Identifiers: Orphanet 524, MedGen C5882668, MONDO:0700271, OMIM 609265.

Submission:

Institute of Human Genetics, University of Leipzig Medical Center
Classification: Likely pathogenic for CHEK2-related cancer predisposition. Last evaluated: 2025-12-18. Review status: criteria provided, single submitter. Criteria: ACMG Guidelines, 2015. Collection method: clinical testing. Allele origin: maternal. Inheritance: Autosomal dominant inheritance. Affected: yes.
Comment: Criteria applied: PVS1_STR,PS4_MOD,PM5_SUP